The following is an entry in ClinVar:

ClinVar aggregate classification (germline): Uncertain significance (1 of 4 stars; one submission).

Conditions:
Jeune thoracic dystrophy. Also called: Short-rib thoracic dysplasia; Jeune syndrome; Infantile thoracic dystrophy; Thoracic pelvic phalangeal dystrophy; Jeune's syndrome; Chondroectodermal dysplasia-like syndrome. Identifiers: Orphanet 474, MedGen C0265275, MONDO:0018770.

gnomAD v4.1: 1 of 1,611,866 alleles (0.000062%); no homozygotes.

Submission:

Labcorp Genetics (formerly Invitae), Labcorp
Classification: Uncertain significance for Jeune thoracic dystrophy. Last evaluated: 2026-01-05. Review status: criteria provided, single submitter. Criteria: Invitae Variant Classification Sherloc (09022015). Collection method: clinical testing. Allele origin: germline.
Comment: This sequence change replaces arginine, which is basic and polar, with threonine, which is neutral and polar, at codon 552 of the IFT80 protein (p.Arg552Thr). This variant is not present in population databases (gnomAD no frequency). This variant has not been reported in the literature in individuals affected with IFT80-related conditions. ClinVar contains an entry for this variant (Variation ID: 2152624). Invitae Evidence Modeling of protein sequence and biophysical properties (such as structural, functional, and spatial information, amino acid conservation, physicochemical variation, residue mobility, and thermodynamic stability) has been performed for this missense variant. However, the output from this modeling did not meet the statistical confidence thresholds required to predict the impact of this variant on IFT80 protein function. In summary, the available evidence is currently insufficient to determine the role of this variant in disease. Therefore, it has been classified as a Variant of Uncertain Significance.

NM_020800.3(IFT80):c.1655G>C (p.Arg552Thr)

Genes: TRIM59-IFT80 (TRIM59-IFT80 readthrough (NMD candidate); minus strand), IFT80 (intraflagellar transport 80; minus strand). Cytogenetic location: 3q25.33.
Variant type: single nucleotide variant.
Coding change: c.1655G>C on transcript NM_020800.3 (MANE Select); coding-DNA position 1655, G replaced by C.
Protein change: p.Arg552Thr; replaces arginine 552 with threonine.
Molecular consequence: missense variant. On other transcripts: non-coding transcript variant (3).
Genome position (GRCh38, 1-based): chr3:160,280,676, C>G on the plus strand (G>C on the coding strand, the complement: IFT80 is on the minus strand). VCF-style: chr3-160280676-C-G. GRCh37 (hg19) VCF-style: chr3-159998464-C-G.
Other names: c.1244G>C, p.Arg415Thr (NM_001190241.2, NM_001190242.2); short protein forms R415T, R552T.
Identifiers: ClinVar variation 2152624 (VCV002152624.4), dbSNP rs764959356, ClinGen allele CA86551173.